The following is an entry in ClinVar:

ClinVar aggregate classification (germline): Pathogenic/Likely pathogenic. Review status: criteria provided, multiple submitters, no conflicts (2 of 4 stars). 6 submissions from 6 submitters: Pathogenic (2); Likely pathogenic (3). 1 of the submissions does not count toward it. Last evaluated 2024-08-14.

Conditions:
Hereditary cancer-predisposing syndrome. Also called: Neoplastic Syndromes, Hereditary; Hereditary neoplastic syndrome; Hereditary Cancer Syndrome; Tumor predisposition. Identifiers: Orphanet 140162, MedGen C0027672, MeSH D009386, MONDO:0015356.
Ataxia-telangiectasia syndrome (AT). Also called: Ataxia-telangiectasia, complementation group D; Ataxia-telangiectasia, complementation group E; LOUIS-BAR SYNDROME; AT, COMPLEMENTATION GROUP C; ATAXIA-TELANGIECTASIA, COMPLEMENTATION GROUP A; ATAXIA-TELANGIECTASIA, FRESNO VARIANT. Identifiers: Orphanet 100, MedGen C0004135, MONDO:0008840, OMIM 208900.
Familial cancer of breast. Also called: hereditary breast carcinoma; Hereditary breast cancer; BREAST CANCER, FAMILIAL. Identifiers: Orphanet 227535, MedGen C0346153, MONDO:0016419, OMIM 114480. Disease mechanism: loss of function.

Allele frequency attached by ClinVar (database versions not stated): TOPMed below 0.00001.

Submissions (6):

Ambry Genetics
Classification: Likely pathogenic for Hereditary cancer-predisposing syndrome. Last evaluated: 2024-08-14. Review status: criteria provided, single submitter. Criteria: Ambry Variant Classification Scheme 2023. Collection method: clinical testing. Allele origin: germline.
Comment: The c.8851-1G>T intronic variant results from a G to T substitution one nucleotide upstream from coding exon 61 of the ATM gene. This nucleotide position is highly conserved in available vertebrate species. In silico splice site analysis predicts that this alteration will weaken the native splice acceptor site and will result in the creation or strengthening of a novel splice acceptor site. Alterations that disrupt the canonical splice site are expected to cause aberrant splicing, resulting in an abnormal protein or a transcript that is subject to nonsense-mediated mRNA decay. RNA studies have demonstrated that this alteration results in abnormal splicing in the set of samples tested (Ambry internal data). As such, this alteration is classified as likely pathogenic.

Myriad Genetics, Inc.
Classification: Likely pathogenic for Familial cancer of breast. Last evaluated: 2024-02-06. Review status: criteria provided, single submitter. Criteria: Myriad Autosomal Dominant, Autosomal Recessive and X-Linked Classification Criteria (2023). Collection method: clinical testing. Allele origin: unknown.
Comment: This variant is considered likely pathogenic. This variant occurs within a consensus splice junction and is predicted to result in abnormal mRNA splicing of either an out-of-frame exon or an in-frame exon necessary for protein stability and/or normal function.

Labcorp Genetics (formerly Invitae), Labcorp
Classification: Likely pathogenic for Ataxia-telangiectasia syndrome. Last evaluated: 2022-01-12. Review status: criteria provided, single submitter. Criteria: Invitae Variant Classification Sherloc (09022015). Collection method: clinical testing. Allele origin: germline.
Comment: This sequence change affects an acceptor splice site in intron 61 of the ATM gene. RNA analysis indicates that disruption of this splice site induces altered splicing and likely results in the loss of 21 amino acid residue(s), but is expected to preserve the integrity of the reading-frame. This variant is not present in population databases (gnomAD no frequency). Disruption of this splice site has been observed in individual(s) with breast cancer and/or clinical features of ataxia telangiectasia (PMID: 19781682, 23632773). In at least one individual the data is consistent with being in trans (on the opposite chromosome) from a pathogenic variant. ClinVar contains an entry for this variant (Variation ID: 370500). Studies have shown that disruption of this splice site alters ATM gene expression (PMID: 23632773). Studies have shown that disruption of this splice site results in the activation of a cryptic splice site in exon 62 (PMID: 23632773). This variant disrupts the kinase domain of the ATM protein, which is important for ATM's role in the DNA damage response (PMID: 23532176, 27097373, 28508083). In summary, the currently available evidence indicates that the variant is pathogenic, but additional data are needed to prove that conclusively. Therefore, this variant has been classified as Likely Pathogenic.

Fulgent Genetics
Classification: Pathogenic for Familial cancer of breast; Ataxia-telangiectasia syndrome. Last evaluated: 2021-11-11. Review status: criteria provided, single submitter. Criteria: ACMG Guidelines, 2015. Collection method: clinical testing. Allele origin: unknown.

Baylor Genetics
Classification: Pathogenic for Familial cancer of breast. Last evaluated: 2021-09-07. Review status: criteria provided, single submitter. Criteria: ACMG Guidelines, 2015. Collection method: clinical testing. Allele origin: unknown.

Counsyl
Classification: Likely pathogenic for Ataxia-telangiectasia syndrome. Last evaluated: 2016-02-19. Review status: no assertion criteria provided. Collection method: clinical testing. Allele origin: unknown. Not counted in ClinVar's aggregate classification.

Literature cited by the submitters: PubMed 19781682 (cited by Labcorp Genetics (formerly Invitae), Labcorp); PubMed 23632773 (cited by Labcorp Genetics (formerly Invitae), Labcorp and Counsyl); PubMed 23532176 (cited by Labcorp Genetics (formerly Invitae), Labcorp); PubMed 27097373 (cited by Labcorp Genetics (formerly Invitae), Labcorp); PubMed 28508083 (cited by Labcorp Genetics (formerly Invitae), Labcorp).

NM_000051.4(ATM):c.8851-1G>T

Genes: ATM (ATM serine/threonine kinase; plus strand), C11orf65 (chromosome 11 open reading frame 65; minus strand). Cytogenetic location: 11q22.3.
Variant type: single nucleotide variant.
Coding change: c.8851-1G>T on transcript NM_000051.4 (MANE Select); the canonical splice acceptor site of the intron before coding-DNA position 8851, G replaced by T.
Molecular consequence: splice acceptor variant. On other transcripts: intron variant (2).
Genome position (GRCh38, 1-based): chr11:108,365,081, G>T. VCF-style: chr11-108365081-G-T. GRCh37 (hg19) VCF-style: chr11-108235808-G-T.
Other names: c.8851-1G>T (NM_001351834.2); c.640+20839C>A (NM_001330368.2); c.694+20839C>A (NM_001351110.2).
Identifiers: ClinVar variation 370500 (VCV000370500.13), dbSNP rs1057516537, ClinGen allele CA16041431.